The following is an entry in ClinVar:

ClinVar aggregate classification (germline): Uncertain significance (1 of 4 stars; one submission).

Conditions:
Hereditary cancer-predisposing syndrome. Also called: Hereditary neoplastic syndrome; Neoplastic Syndromes, Hereditary; Tumor predisposition; Hereditary Cancer Syndrome. Identifiers: Orphanet 140162, MedGen C0027672, MeSH D009386, MONDO:0015356.

Submission:

Ambry Genetics
Classification: Uncertain significance for Hereditary cancer-predisposing syndrome. Last evaluated: 2025-08-27. Review status: criteria provided, single submitter. Criteria: Ambry Variant Classification Scheme 2023. Collection method: clinical testing. Allele origin: germline.
Comment: The p.G325D variant (also known as c.974G>A), located in coding exon 11 of the MUTYH gene, results from a G to A substitution at nucleotide position 974. The glycine at codon 325 is replaced by aspartic acid, an amino acid with similar properties. This amino acid position is conserved. In addition, this alteration is predicted to be tolerated by in silico analysis. Based on the available evidence, the clinical significance of this variant remains unclear.

NM_001048174.2(MUTYH):c.890G>A (p.Gly297Asp)

Gene: MUTYH (mutY DNA glycosylase; minus strand). Cytogenetic location: 1p34.1.
Variant type: single nucleotide variant.
Coding change: c.890G>A on transcript NM_001048174.2 (MANE Select); coding-DNA position 890, G replaced by A.
Protein change: p.Gly297Asp; replaces glycine 297 with aspartic acid.
Molecular consequence: missense variant. On other transcripts: non-coding transcript variant (7).
Genome position (GRCh38, 1-based): chr1:45,332,046, C>T on the plus strand (G>A on the coding strand, the complement: MUTYH is on the minus strand). VCF-style: chr1-45332046-C-T. GRCh37 (hg19) VCF-style: chr1-45797718-C-T.
Other names: c.614G>A, p.Gly205Asp (NM_001293192.2, NM_001293196.2, NM_001407091.1); c.890G>A, p.Gly297Asp (NM_001293195.2, NM_001407070.1, NM_001407072.1 and 6 more transcripts); c.545G>A, p.Gly182Asp (NM_001350650.2, NM_001350651.2, NM_001407082.1); c.923G>A, p.Gly308Asp (NM_001407069.1, NM_001293191.2, NM_001407077.1); c.893G>A, p.Gly298Asp (NM_001407071.1, NM_001407086.1, NM_001048172.2 and 1 more transcripts); c.911G>A, p.Gly304Asp (NM_001407087.1); c.965G>A, p.Gly322Asp (NM_012222.3); c.974G>A, p.Gly325Asp (NM_001128425.2); and 5 more; short protein forms G205D, G311D, G325D, G182D, G269D, G283D, G298D, G304D.
Identifiers: ClinVar variation 4113973 (VCV004113973.1).